The following is an entry in ClinVar:

NM_004036.5(ADCY3):c.2883+1G>C

Gene: ADCY3 (adenylate cyclase 3; minus strand). Cytogenetic location: 2p23.3.
Variant type: single nucleotide variant.
Coding change: c.2883+1G>C on transcript NM_004036.5 (MANE Select); the canonical splice donor site of the intron after coding-DNA position 2883, G replaced by C.
Molecular consequence: splice donor variant. On other transcripts: intron variant (1).
Genome position (GRCh38, 1-based): chr2:24,823,208, C>G on the plus strand (G>C on the coding strand, the complement: ADCY3 is on the minus strand). VCF-style: chr2-24823208-C-G. GRCh37 (hg19) VCF-style: chr2-25046077-C-G.
Other names: c.2332-578G>C (NM_001377130.1); c.2745+1G>C (NM_001377129.1); c.2886+1G>C (NM_001320613.2); c.2949+1G>C (NM_001377128.1); c.2883+1G>C (NM_001377132.1); c.2160+1G>C (NM_001377131.1).
Identifiers: ClinVar variation 1978639 (VCV001978639.4), dbSNP rs1668049134, ClinGen allele CA346062446.
Genomic context (GRCh38, chr2:24,823,208, plus strand): 5'-AGGATGTGATGTGGAATGGGCCGGCTTCATGGCCAGAGTGCAGGGTGGGATGGGCACTCA[C>G]AGAGTCAAAATCTGAGATGATTTCATTGAGGAAACGCAGACACTCAATACCACCATTGTT-3'

ClinVar aggregate classification (germline): Likely pathogenic (1 of 4 stars; one submission).

gnomAD v4.1: 1 of 1,611,944 alleles (0.000062%); highest among the groups gnomAD compares: Non-Finnish European, 0.000085%; no homozygotes.

Submission:

Labcorp Genetics (formerly Invitae), Labcorp
Classification: Likely pathogenic. Last evaluated: 2023-12-21. Review status: criteria provided, single submitter. Criteria: Invitae Variant Classification Sherloc (09022015). Collection method: clinical testing. Allele origin: germline.
Comment: This sequence change affects a donor splice site in intron 18 of the ADCY3 gene. It is expected to disrupt RNA splicing. Variants that disrupt the donor or acceptor splice site typically lead to a loss of protein function (PMID: 16199547), and loss-of-function variants in ADCY3 are known to be pathogenic (PMID: 29311637). This variant is not present in population databases (gnomAD no frequency). This variant has not been reported in the literature in individuals affected with ADCY3-related conditions. ClinVar contains an entry for this variant (Variation ID: 1978639). Algorithms developed to predict the effect of sequence changes on RNA splicing suggest that this variant may disrupt the consensus splice site. In summary, the currently available evidence indicates that the variant is pathogenic, but additional data are needed to prove that conclusively. Therefore, this variant has been classified as Likely Pathogenic.

Literature cited by the submitters: PubMed 16199547; PubMed 29311637.